The following is an entry in ClinVar:

ClinVar aggregate classification (germline): Uncertain significance (1 of 4 stars; one submission).

Conditions:
Hereditary pheochromocytoma and paraganglioma. Also called: Hereditary paragangliomas and pheochromocytomas; Hereditary pheochromocytoma-paraganglioma; Hereditary Paraganglioma-Pheochromocytoma Syndromes. Identifiers: Orphanet 29072, MedGen C4274332, MONDO:0017366.

Submission:

Labcorp Genetics (formerly Invitae), Labcorp
Classification: Uncertain significance for Hereditary pheochromocytoma and paraganglioma. Last evaluated: 2020-02-29. Review status: criteria provided, single submitter. Criteria: Invitae Variant Classification Sherloc (09022015). Collection method: clinical testing. Allele origin: germline.
Comment: This sequence change replaces alanine with threonine at codon 32 of the TMEM127 protein (p.Ala32Thr). The alanine residue is highly conserved and there is a small physicochemical difference between alanine and threonine. The frequency data for this variant in the population databases is considered unreliable, as metrics indicate insufficient coverage at this position in the ExAC database. This variant has not been reported in the literature in individuals with TMEM127-related conditions. Algorithms developed to predict the effect of missense changes on protein structure and function (SIFT, PolyPhen-2, Align-GVGD) all suggest that this variant is likely to be tolerated, but these predictions have not been confirmed by published functional studies and their clinical significance is uncertain. In summary, the available evidence is currently insufficient to determine the role of this variant in disease. Therefore, it has been classified as a Variant of Uncertain Significance.

NM_017849.4(TMEM127):c.94G>A (p.Ala32Thr)

Genes: TMEM127 (transmembrane protein 127; minus strand), LOC129934333 (ATAC-STARR-seq lymphoblastoid silent region 11759; plus strand). Cytogenetic location: 2q11.2.
Variant type: single nucleotide variant.
Coding change: c.94G>A on transcript NM_017849.4 (MANE Select); coding-DNA position 94, G replaced by A.
Protein change: p.Ala32Thr; replaces alanine 32 with threonine.
Molecular consequence: missense variant.
Genome position (GRCh38, 1-based): chr2:96,265,288, C>T on the plus strand (G>A on the coding strand, the complement: TMEM127 is on the minus strand). VCF-style: chr2-96265288-C-T. GRCh37 (hg19) VCF-style: chr2-96931026-C-T.
Other names: c.94G>A, p.Ala32Thr (NM_001193304.3); short protein forms A32T.
Identifiers: ClinVar variation 1054252 (VCV001054252.9), dbSNP rs770347064, ClinGen allele CA347656126.